The following is an entry in ClinVar:

NM_001999.4(FBN2):c.8469C>T (p.Pro2823=)

Gene: FBN2 (fibrillin 2; minus strand). Cytogenetic location: 5q23.3.
Variant type: single nucleotide variant.
Coding change: c.8469C>T on transcript NM_001999.4 (MANE Select); coding-DNA position 8469, C replaced by T.
Protein change: p.Pro2823=; no amino-acid change (proline 2823 retained).
Molecular consequence: synonymous variant.
Genome position (GRCh38, 1-based): chr5:128,259,725, G>A on the plus strand (C>T on the coding strand, the complement: FBN2 is on the minus strand). VCF-style: chr5-128259725-G-A. GRCh37 (hg19) VCF-style: chr5-127595417-G-A.
Other names: p.P2823P:CCC>CCT.
Identifiers: ClinVar variation 137356 (VCV000137356.18), dbSNP rs371397121, ClinGen allele CA290904.

ClinVar aggregate classification (germline): Benign/Likely benign. Review status: criteria provided, multiple submitters, no conflicts (2 of 4 stars). 5 submissions from 5 submitters: Benign (1); Likely benign (4). Last evaluated 2025-01-21.

Conditions:
Ehlers-Danlos syndrome (EDS). Identifiers: Orphanet 98249, MedGen C0013720, MONDO:0020066.
Congenital contractural arachnodactyly (CCA). Also called: Beals-Hecht syndrome; Arthrogryposis, distal, type 9; BEALS SYNDROME. Identifiers: Orphanet 115, MedGen C0220668, MONDO:0007363, OMIM 121050.
Familial thoracic aortic aneurysm and aortic dissection (TAAD). Also called: Thoracic aortic aneurysms and dissections. Identifiers: Orphanet 91387, MedGen C4707243, MONDO:0019625.

Allele frequency attached by ClinVar (database versions not stated): ExAC 0.00002; gnomAD exomes 0.00002 and 0.00003; gnomAD 0.00003 and 0.00004.
gnomAD v4.1: 36 of 1,613,832 alleles (0.0022%); highest among the groups gnomAD compares: African/African-American, 0.004%; no homozygotes.

Submissions (5):

Labcorp Genetics (formerly Invitae), Labcorp
Classification: Likely benign for Congenital contractural arachnodactyly. Last evaluated: 2025-01-21. Review status: criteria provided, single submitter. Criteria: Invitae Variant Classification Sherloc (09022015). Collection method: clinical testing. Allele origin: germline.

Blueprint Genetics
Classification: Likely benign. Last evaluated: 2024-08-01. Review status: criteria provided, single submitter. Criteria: ACMG Guidelines, 2015. Collection method: clinical testing. Allele origin: germline.

Genome Diagnostics Laboratory, The Hospital for Sick Children
Classification: Likely benign for Ehlers-Danlos syndrome. Last evaluated: 2020-11-19. Review status: criteria provided, single submitter. Criteria: ACMG Guidelines, 2015. Collection method: clinical testing. Allele origin: germline.

Ambry Genetics
Classification: Likely benign for Familial thoracic aortic aneurysm and aortic dissection. Last evaluated: 2016-09-23. Review status: criteria provided, single submitter. Criteria: Ambry Variant Classification Scheme 2023. Collection method: clinical testing. Allele origin: germline.

GeneDx
Classification: Benign. Last evaluated: 2014-06-01. Review status: criteria provided, single submitter. Criteria: GeneDx Variant Classification (06012015). Collection method: clinical testing. Allele origin: germline. Affected: yes.
Comment: This variant is considered likely benign or benign based on one or more of the following criteria: it is a conservative change, it occurs at a poorly conserved position in the protein, it is predicted to be benign by multiple in silico algorithms, and/or has population frequency not consistent with disease.